The following is an entry in ClinVar:

NM_005881.4(BCKDK):c.486C>A (p.His162Gln)

Gene: BCKDK (branched chain keto acid dehydrogenase kinase; plus strand). Cytogenetic location: 16p11.2.
Variant type: single nucleotide variant.
Coding change: c.486C>A on transcript NM_005881.4 (MANE Select); coding-DNA position 486, C replaced by A.
Protein change: p.His162Gln; replaces histidine 162 with glutamine.
Molecular consequence: missense variant.
Genome position (GRCh38, 1-based): chr16:31,110,267, C>A. VCF-style: chr16-31110267-C-A. GRCh37 (hg19) VCF-style: chr16-31121588-C-A.
Other names: c.486C>A, p.His162Gln (NM_001122957.4, NM_001271926.3); short protein forms H162Q.
Identifiers: ClinVar variation 2446422 (VCV002446422.3), dbSNP rs2544147133, ClinGen allele CA395657767.

ClinVar aggregate classification (germline): Uncertain significance (1 of 4 stars; one submission).

Conditions:
Maple syrup urine disease, mild variant (MSUDMV). Identifiers: Orphanet 511, MedGen C3554575, MONDO:0014057, OMIM 615135.

Submission:

Institute of Human Genetics, University of Goettingen
Classification: Uncertain significance for Maple syrup urine disease, mild variant. Last evaluated: 2023-03-31. Review status: criteria provided, single submitter. Criteria: ACMG Guidelines, 2015. Collection method: clinical testing. Allele origin: unknown. Observed: 1 heterozygote.
Comment: The variant c.486C>A (p.(His162Gln)) in exon 6 of the BCKDK-gene is not found in the gnomAD database, it affects a weakly conserved nucleotide, a highly conserved amino acid within a protein domain and there is a small physicochemical difference between His and Gln. The authors proposed a dominant-negative effect of this variant (PMID: 35205278). ACMG criteria used for classification: PM2, PM6, PP3, PP4.

Literature cited by the submitters: PubMed 35205278.